The following is an entry in ClinVar:

ClinVar aggregate classification (germline): Likely pathogenic (1 of 4 stars; one submission).

Submission:

Labcorp Genetics (formerly Invitae), Labcorp
Classification: Likely pathogenic. Last evaluated: 2023-05-24. Review status: criteria provided, single submitter. Criteria: Invitae Variant Classification Sherloc (09022015). Collection method: clinical testing. Allele origin: germline.
Comment: In summary, the currently available evidence indicates that the variant is pathogenic, but additional data are needed to prove that conclusively. Therefore, this variant has been classified as Likely Pathogenic. Algorithms developed to predict the effect of sequence changes on RNA splicing suggest that this variant may disrupt the consensus splice site. Disruption of this splice site has been observed in individual(s) with clinical features of Currarino syndrome (Invitae). This variant is not present in population databases (gnomAD no frequency). This sequence change affects an acceptor splice site in intron 1 of the MNX1 gene. It is expected to disrupt RNA splicing. Variants that disrupt the donor or acceptor splice site typically lead to a loss of protein function (PMID: 16199547), and loss-of-function variants in MNX1 are known to be pathogenic (PMID: 10631160, 10749657, 16254195, 24095820).

Literature cited by the submitters: PubMed 16199547; PubMed 10631160; PubMed 10749657; PubMed 16254195; PubMed 24095820.

NM_005515.4(MNX1):c.692-2A>G

Genes: MNX1 (motor neuron and pancreas homeobox 1; minus strand), MNX1-AS2 (MNX1 antisense RNA 2; plus strand). Cytogenetic location: 7q36.3.
Variant type: single nucleotide variant.
Coding change: c.692-2A>G on transcript NM_005515.4 (MANE Select); the canonical splice acceptor site of the intron before coding-DNA position 692, A replaced by G.
Molecular consequence: splice acceptor variant.
Genome position (GRCh38, 1-based): chr7:157,006,641, T>C on the plus strand (A>G on the coding strand, the complement: MNX1 is on the minus strand). VCF-style: chr7-157006641-T-C. GRCh37 (hg19) VCF-style: chr7-156799335-T-C.
Other names: c.56-2A>G (NM_001165255.2).
Identifiers: ClinVar variation 2795006 (VCV002795006.3), dbSNP rs2537774041, ClinGen allele CA370163375.
Genomic context (GRCh38, chr7:157,006,641, plus strand): 5'-GCTGGTGAAGGCGGTGCGCGGCCGGCGGCACTTCCCCAGGAGGTTCGACTGCGCCTGGGC[T>C]GGGGACCAAAGGGCAGTGAGGCCCACAGCCGGCTCCGGTCCTCGCCCCAGCCCCTCCCGT-3'